The following is an entry in ClinVar:

ClinVar aggregate classification (germline): Pathogenic/Likely pathogenic. Review status: criteria provided, multiple submitters, no conflicts (2 of 4 stars). 6 submissions from 6 submitters: Pathogenic (5); Likely pathogenic (1). Last evaluated 2025-05-12.

Conditions:
CFTR-related disorder (CFTR-RD). Also called: CFTR-related condition; CFTR-related disorders. Identifiers: MedGen C5924204, MONDO:7770004.
Bronchiectasis with or without elevated sweat chloride 1 (BESC1). Also called: Cystic Fibrosis-Like Syndrome. Identifiers: Orphanet 60033, MedGen C2749757, MONDO:0008887, OMIM 211400.
Cystic fibrosis (CF). Also called: MUCOVISCIDOSIS. Identifiers: Orphanet 586, MedGen C0010674, MONDO:0009061, OMIM 219700. Disease mechanism: loss of function.

Submissions (6):

Natera, Inc.
Classification: Pathogenic for CFTR-related disorders. Last evaluated: 2025-05-12. Review status: criteria provided, single submitter. Criteria: Natera Variant Classification Schema (03/2026). Collection method: clinical testing. Allele origin: germline.
Comment: The c.3407_3422delCCATGAATATCATGAG variant in CFTR is a frameshift variant predicted to shift the reading frame beginning at codon 1136 and leads to a stop codon 7 codons downstream. This variant is expected to result in nonsense mediated decay, truncation, or a dysfunctional protein product. This variant is rare in the general population with a frequency below the threshold expected for the associated phenotype(s). This variant has been observed in one or more individuals affected with the associated recessive disease, as either homozygous or compound heterozygous with a second variant (PMID: 32057679, 36437230). Given the available evidence, this variant is classified as Pathogenic.

Johns Hopkins Genomics, Johns Hopkins University
Classification: Pathogenic for Cystic fibrosis. Last evaluated: 2025-04-07. Review status: criteria provided, single submitter. Criteria: ACMG Guidelines, 2015. Collection method: clinical testing. Allele origin: germline.
Comment: Disease-causing CFTR variant. See CFTR2 for phenotype information.

Women's Health and Genetics/Laboratory Corporation of America, LabCorp
Classification: Pathogenic for Cystic fibrosis. Last evaluated: 2025-03-24. Review status: criteria provided, single submitter. Criteria: LabCorp Variant Classification Summary - May 2015. Collection method: clinical testing. Allele origin: germline.
Comment: Variant summary: CFTR c.3407_3422del16 (p.Ala1136ValfsX7) results in a premature termination codon, predicted to cause a truncation of the encoded protein or absence of the protein due to nonsense mediated decay, which are commonly known mechanisms for disease. The variant was absent in 251152 control chromosomes. c.3407_3422del16 has been reported in the literature in individuals affected with Cystic Fibrosis (example: Lopes_2022). The following publication has been ascertained in the context of this evaluation (PMID: 36437230). ClinVar contains an entry for this variant (Variation ID: 1731130). Based on the evidence outlined above, the variant was classified as pathogenic.

Labcorp Genetics (formerly Invitae), Labcorp
Classification: Pathogenic for Cystic fibrosis. Last evaluated: 2024-02-03. Review status: criteria provided, single submitter. Criteria: Invitae Variant Classification Sherloc (09022015). Collection method: clinical testing. Allele origin: germline.
Comment: This sequence change creates a premature translational stop signal (p.Ala1136Valfs*7) in the CFTR gene. It is expected to result in an absent or disrupted protein product. Loss-of-function variants in CFTR are known to be pathogenic (PMID: 1695717, 7691345, 9725922). This variant is not present in population databases (gnomAD no frequency). This premature translational stop signal has been observed in individual(s) with cystic fibrosis (PMID: 34782259). ClinVar contains an entry for this variant (Variation ID: 1731130). For these reasons, this variant has been classified as Pathogenic.

Baylor Genetics
Classification: Likely pathogenic for Bronchiectasis with or without elevated sweat chloride 1. Last evaluated: 2024-01-03. Review status: criteria provided, single submitter. Criteria: ACMG Guidelines, 2015. Collection method: clinical testing. Allele origin: unknown.

Ambry Genetics
Classification: Pathogenic for Cystic fibrosis. Last evaluated: 2021-08-26. Review status: criteria provided, single submitter. Criteria: Ambry Variant Classification Scheme 2023. Collection method: clinical testing. Allele origin: germline.
Comment: The c.3407_3422del16 pathogenic mutation, located in coding exon 21 of the CFTR gene, results from a deletion of 16 nucleotides at nucleotide positions 3407 to 3422, causing a translational frameshift with a predicted alternate stop codon (p.A1136Vfs*7). This variant is considered to be rare based on population cohorts in the Genome Aggregation Database (gnomAD). This alteration is expected to result in loss of function by premature protein truncation or nonsense-mediated mRNA decay. As such, this alteration is interpreted as a disease-causing mutation.

Literature cited by the submitters: PubMed 32057679 (cited by Natera, Inc.); PubMed 36437230 (cited by Natera, Inc. and Women's Health and Genetics/Laboratory Corporation of America, LabCorp); PubMed 1695717 (cited by Labcorp Genetics (formerly Invitae), Labcorp); PubMed 7691345 (cited by Labcorp Genetics (formerly Invitae), Labcorp); PubMed 9725922 (cited by Labcorp Genetics (formerly Invitae), Labcorp); PubMed 34782259 (cited by Labcorp Genetics (formerly Invitae), Labcorp).

NM_000492.4(CFTR):c.3407_3422del (p.Ala1136fs)

Genes: CFTR (CF transmembrane conductance regulator; plus strand), CFTR-AS2 (CFTR antisense RNA 2; minus strand). Cytogenetic location: 7q31.2.
Variant type: Deletion.
Coding change: c.3407_3422del on transcript NM_000492.4 (MANE Select); coding-DNA positions 3407 to 3422, 16 bases deleted (CCATGAATATCATGAG).
Protein change: p.Ala1136fs; shifts the reading frame from alanine 1136.
Molecular consequence: frameshift variant.
Genome position (GRCh38, 1-based): chr7:117,614,652-117,614,667, CCATGAATATCATGAG deleted; deleting any 16 consecutive bases within chr7:117,614,650-117,614,667 gives the same sequence; the c. name uses the placement nearest the transcript's 3' end. VCF-style (leftmost placement, unchanged base first): chr7-117614649-TAGCCATGAATATCATG-T. GRCh37 (hg19) VCF-style: chr7-117254703-TAGCCATGAATATCATG-T.
Other names: c.3407_3422delCCATGAATATCATGAG (NM_000492.3); c.3407_3422del (NM_000492.3); c.3407_3422del16 (NM_000492.4); short protein forms A1136fs.
Identifiers: ClinVar variation 1731130 (VCV001731130.9), dbSNP rs1792456337, ClinGen allele CA1737392036.